The following is an entry in ClinVar:

ClinVar aggregate classification (germline): Pathogenic. Review status: reviewed by expert panel (3 of 4 stars). 2 submissions from 2 submitters: Pathogenic (1). 1 of the submissions does not count toward it. Last evaluated 2017-12-15.

Conditions:
Breast-ovarian cancer, familial, susceptibility to, 1 (BROVCA1). Also called: BRCA1 Hereditary Breast and Ovarian Cancer; OVARIAN CANCER, SUSCEPTIBILITY TO. Identifiers: Orphanet 145, MedGen C2676676, MONDO:0011450, OMIM 604370. Disease mechanism: loss of function.

Submissions (2):

Evidence-based Network for the Interpretation of Germline Mutant Alleles (ENIGMA)
Classification: Pathogenic for Breast-ovarian cancer, familial, susceptibility to, 1. Last evaluated: 2017-12-15. Review status: reviewed by expert panel. Criteria: ENIGMA BRCA1/2 Classification Criteria (2017-06-29). Collection method: curation. Allele origin: germline. Study: ENIGMA.
Comment: Variant allele predicted to encode a truncated non-functional protein.

Department of Pathology and Laboratory Medicine, Sinai Health System
Classification: Likely pathogenic. Review status: no assertion criteria provided. Collection method: clinical testing. Allele origin: unknown. Affected: yes. Study: The Canadian Open Genetics Repository (COGR). Not counted in ClinVar's aggregate classification.

NM_007294.4(BRCA1):c.3334del (p.Glu1112fs)

Genes: BRCA1 (BRCA1 DNA repair associated; minus strand), LOC126862571 (BRD4-independent group 4 enhancer GRCh37_chr17:41243136-41244335; plus strand). Cytogenetic location: 17q21.31.
Variant type: Deletion.
Coding change: c.3334del on transcript NM_007294.4 (MANE Select); coding-DNA position 3334, one base deleted (G; older notation c.3334delG).
Protein change: p.Glu1112fs; shifts the reading frame from glutamic acid 1112.
Molecular consequence: frameshift variant. On other transcripts: intron variant (137).
Genome position (GRCh38, 1-based): chr17:43,092,197, C deleted on the plus strand (G on the coding strand, the reverse complement: BRCA1 is on the minus strand). VCF-style (leftmost placement, unchanged base first): chr17-43092196-TC-T. GRCh37 (hg19) VCF-style: chr17-41244213-TC-T.
Other names: c.3331del, p.Glu1111fs (NM_001407627.1, NM_001407628.1, NM_001407629.1 and 22 more transcripts); c.3334del, p.Glu1112fs (NM_001407639.1, NM_001407640.1, NM_001407641.1 and 30 more transcripts); c.3325del, p.Glu1109fs (NM_001407646.1, NM_001407647.1); c.3211del, p.Glu1071fs (NM_001407648.1, NM_001407664.1, NM_001407665.1 and 19 more transcripts); c.3208del, p.Glu1070fs (NM_001407649.1, NM_001407670.1, NM_001407671.1 and 11 more transcripts); c.3256del, p.Glu1086fs (NM_001407653.1, NM_001407654.1, NM_001407655.1 and 4 more transcripts); c.3253del, p.Glu1085fs (NM_001407659.1, NM_001407660.1, NM_001407661.1 and 1 more transcripts); c.3193del, p.Glu1065fs (NM_001407692.1, NM_001407694.1, NM_001407695.1 and 29 more transcripts); and 41 more; short protein forms E1065fs, E1112fs, E1024fs, E1064fs, E1085fs, E1086fs, E985fs, E1042fs.
Identifiers: ClinVar variation 433705 (VCV000433705.3), dbSNP rs1555587944, ClinGen allele CA645373181.